The following is an entry in ClinVar:

NM_020207.7(ERCC6L2):c.1936A>T (p.Ile646Leu)

Gene: ERCC6L2 (ERCC excision repair 6 like 2; plus strand). Cytogenetic location: 9q22.32.
Variant type: single nucleotide variant.
Coding change: c.1936A>T on transcript NM_020207.7 (MANE Select); coding-DNA position 1936, A replaced by T.
Protein change: p.Ile646Leu; replaces isoleucine 646 with leucine.
Molecular consequence: missense variant. On other transcripts: non-coding transcript variant (1).
Genome position (GRCh38, 1-based): chr9:95,956,002, A>T. VCF-style: chr9-95956002-A-T. GRCh37 (hg19) VCF-style: chr9-98718284-A-T.
Other names: c.1936A>T, p.Ile646Leu (NM_001010895.4, NM_001375291.1, NM_001375292.1 and 2 more transcripts); short protein forms I646L.
Identifiers: ClinVar variation 3845825 (VCV003845825.1).

ClinVar aggregate classification (germline): Uncertain significance (1 of 4 stars; one submission).

Conditions:
Inborn genetic diseases. Identifiers: MedGen C0950123, MeSH D030342.

gnomAD v4.1: 1 of 1,583,710 alleles (0.000063%); highest among the groups gnomAD compares: Admixed American, 0.0018%; no homozygotes.

Submission:

Ambry Genetics
Classification: Uncertain significance for Inborn genetic diseases. Last evaluated: 2024-12-22. Review status: criteria provided, single submitter. Criteria: Ambry Variant Classification Scheme 2023. Collection method: clinical testing. Allele origin: germline.
Comment: The p.I646L variant (also known as c.1936A>T), located in coding exon 13 of the ERCC6L2 gene, results from an A to T substitution at nucleotide position 1936. The isoleucine at codon 646 is replaced by leucine, an amino acid with highly similar properties. This amino acid position is conserved. In addition, this alteration is predicted to be tolerated by in silico analysis. Based on the available evidence, the clinical significance of this variant remains unclear.